The following is an entry in ClinVar:

ClinVar aggregate classification (germline): Uncertain significance (1 of 4 stars; one submission).

Conditions:
Waardenburg syndrome type 4C (WS4C). Also called: WAARDENBURG SYNDROME WITH HIRSCHSPRUNG DISEASE, TYPE 4C. Identifiers: Orphanet 897, MedGen C2750452, MONDO:0013202, OMIM 613266.

Submission:

Genetic Medicine of African Populations, University of Cape Town
Classification: Uncertain significance for Waardenburg syndrome type 4C. Last evaluated: 2025-11-30. Review status: criteria provided, single submitter. Criteria: ACMG Guidelines, 2015. Collection method: research. Allele origin: unknown. Inheritance: Autosomal dominant inheritance. Affected: yes. Observed: 4 variant alleles. Clinical features observed: Sensorineural hearing loss disorder (HP:0000407), Heterochromia iridis (HP:0001100).
Comment: The SOX10:c.743delC(p.Pro245ArgTer41) variant results in a premature termination codon, likely causing mRNA truncation of the encoded protein, reduced expression if expressed, or absence due to nonsense-mediated decay (a known mechanism for disease association). This variant is likely to result in loss of function with the mechanism of disease known (PVS1). Our in-house variant effect prediction classified this truncation variant as likely pathogenic. A missense variant at this nucleotide position (c.743C>T) has been reported in ClinVar (VCV002662989.1). The variant is described as de novo (present in only the affected proband), with no confirmation of paternity and maternity, in one individual with a highly specific phenotype and in one individual with a phenotype consistent with the gene but not highly specific (PP4, PP3, PM6). In summary, the variant ACMG/AMP classification (PVS1, PP3, PP4, and PM6) meets the Likely Pathogenic criteria, but our lab classification is a Variant of Uncertain Significance.

NM_006941.4(SOX10):c.743del (p.Glu248fs)

Genes: POLR2F (RNA polymerase II, I and III subunit F; plus strand), SOX10 (SRY-box transcription factor 10; minus strand). Cytogenetic location: 22q13.1.
Variant type: Deletion.
Coding change: c.743del on transcript NM_006941.4 (MANE Select); coding-DNA position 743, one base deleted (A; older notation c.743delA).
Protein change: p.Glu248fs; shifts the reading frame from glutamic acid 248.
Molecular consequence: frameshift variant. On other transcripts: intron variant (3).
Genome position (GRCh38, 1-based): chr22:37,974,153, T deleted on the plus strand (A on the coding strand, the reverse complement: SOX10 is on the minus strand). VCF-style (leftmost placement, unchanged base first): chr22-37974152-CT-C. GRCh37 (hg19) VCF-style: chr22-38370159-CT-C.
Other names: c.*38+1843del (NM_001363825.1); c.293+6983del (NM_001301130.2, NM_001301131.2); short protein forms E248fs.
Identifiers: ClinVar variation 4823898 (VCV004823898.1).